The following is an entry in ClinVar:

ClinVar aggregate classification (germline): Uncertain significance (1 of 4 stars; one submission).

Submission:

GeneDx
Classification: Uncertain significance. Last evaluated: 2022-09-06. Review status: criteria provided, single submitter. Criteria: GeneDx Variant Classification Process June 2021. Collection method: clinical testing. Allele origin: germline. Affected: yes.
Comment: Not observed at significant frequency in large population cohorts (gnomAD); In silico analysis supports that this missense variant does not alter protein structure/function; Has not been previously published as pathogenic or benign to our knowledge

NM_031407.7(HUWE1):c.12700A>G (p.Ile4234Val)

Gene: HUWE1 (HECT, UBA and WWE domain containing E3 ubiquitin protein ligase 1; minus strand). Cytogenetic location: Xp11.22.
Variant type: single nucleotide variant.
Coding change: c.12700A>G on transcript NM_031407.7 (MANE Select); coding-DNA position 12700, A replaced by G.
Protein change: p.Ile4234Val; replaces isoleucine 4234 with valine.
Molecular consequence: missense variant.
Genome position (GRCh38, 1-based): chrX:53,534,647, T>C on the plus strand (A>G on the coding strand, the complement: HUWE1 is on the minus strand). VCF-style: chrX-53534647-T-C. GRCh37 (hg19) VCF-style: chrX-53561608-T-C.
Other names: short protein forms I4234V.
Identifiers: ClinVar variation 2442623 (VCV002442623.1), dbSNP rs2521676609, ClinGen allele CA413146833.